The following is an entry in ClinVar:

NM_001372.4(DNAH9):c.8929G>A (p.Ala2977Thr)

Gene: DNAH9 (dynein axonemal heavy chain 9; plus strand). Cytogenetic location: 17p12.
Variant type: single nucleotide variant.
Coding change: c.8929G>A on transcript NM_001372.4 (MANE Select); coding-DNA position 8929, G replaced by A.
Protein change: p.Ala2977Thr; replaces alanine 2977 with threonine.
Molecular consequence: missense variant.
Genome position (GRCh38, 1-based): chr17:11,822,516, G>A. VCF-style: chr17-11822516-G-A. GRCh37 (hg19) VCF-style: chr17-11725833-G-A.
Other names: short protein forms A2977T.
Identifiers: ClinVar variation 1393921 (VCV001393921.6), dbSNP rs370252772, ClinGen allele CA398199722.

ClinVar aggregate classification (germline): Uncertain significance (1 of 4 stars; one submission).

gnomAD v4.1: 1 of 1,614,202 alleles (0.000062%); highest among the groups gnomAD compares: Non-Finnish European, 0.000085%; no homozygotes.

Submission:

Labcorp Genetics (formerly Invitae), Labcorp
Classification: Uncertain significance. Last evaluated: 2022-03-02. Review status: criteria provided, single submitter. Criteria: Invitae Variant Classification Sherloc (09022015). Collection method: clinical testing. Allele origin: germline.
Comment: In summary, the available evidence is currently insufficient to determine the role of this variant in disease. Therefore, it has been classified as a Variant of Uncertain Significance. Algorithms developed to predict the effect of missense changes on protein structure and function are either unavailable or do not agree on the potential impact of this missense change (SIFT: "Deleterious"; PolyPhen-2: "Benign"; Align-GVGD: "Class C0"). This variant has not been reported in the literature in individuals affected with DNAH9-related conditions. This variant is not present in population databases (gnomAD no frequency). This sequence change replaces alanine, which is neutral and non-polar, with threonine, which is neutral and polar, at codon 2977 of the DNAH9 protein (p.Ala2977Thr).